The following is an entry in ClinVar:

ClinVar aggregate classification (germline): Uncertain significance (1 of 4 stars; one submission).

Conditions:
Ritscher-Schinzel syndrome 1 (RTSC1). Identifiers: Orphanet 7, MedGen C4551776, MONDO:0009073, OMIM 220210.
Hereditary spastic paraplegia 8 (SPG8). Also called: SPASTIC PARAPLEGIA 8, AUTOSOMAL DOMINANT. Identifiers: Orphanet 100989, MedGen C1863704, MONDO:0011339, OMIM 603563.

Allele frequency attached by ClinVar (database versions not stated): TOPMed below 0.00001; ExAC 0.00001; gnomAD exomes 0.00001.
gnomAD v4.1: 20 of 1,584,390 alleles (0.0013%); highest among the groups gnomAD compares: East Asian, 0.045%; no homozygotes.

Submission:

Labcorp Genetics (formerly Invitae), Labcorp
Classification: Uncertain significance for Ritscher-Schinzel syndrome; Hereditary spastic paraplegia 8. Last evaluated: 2017-10-12. Review status: criteria provided, single submitter. Criteria: Invitae Variant Classification Sherloc (09022015). Collection method: clinical testing. Allele origin: germline.
Comment: This sequence change replaces serine with asparagine at codon 291 of the WASHC5 protein (p.Ser291Asn). The serine residue is moderately conserved and there is a small physicochemical difference between serine and asparagine. This variant is present in population databases (rs753529606, ExAC 0.01%). This variant has not been reported in the literature in individuals with WASHC5-related disease. Algorithms developed to predict the effect of missense changes on protein structure and function (SIFT, PolyPhen-2, Align-GVGD) all suggest that this variant is likely to be tolerated, but these predictions have not been confirmed by published functional studies and their clinical significance is uncertain. In summary, the available evidence is currently insufficient to determine the role of this variant in disease. Therefore, it has been classified as a Variant of Uncertain Significance.

NM_014846.4(WASHC5):c.872G>A (p.Ser291Asn)

Gene: WASHC5 (WASH complex subunit 5; minus strand). Cytogenetic location: 8q24.13.
Variant type: single nucleotide variant.
Coding change: c.872G>A on transcript NM_014846.4 (MANE Select); coding-DNA position 872, G replaced by A.
Protein change: p.Ser291Asn; replaces serine 291 with asparagine.
Molecular consequence: missense variant.
Genome position (GRCh38, 1-based): chr8:125,075,104, C>T on the plus strand (G>A on the coding strand, the complement: WASHC5 is on the minus strand). VCF-style: chr8-125075104-C-T. GRCh37 (hg19) VCF-style: chr8-126087346-C-T.
Other names: c.428G>A, p.Ser143Asn (NM_001330609.2); short protein forms S291N, S143N.
Identifiers: ClinVar variation 531993 (VCV000531993.1), dbSNP rs753529606, ClinGen allele CA4873984.
Genomic context (GRCh38, chr8:125,075,104, plus strand): 5'-TTTGCAGCTTTGTAAGGTTCCCAAGCATCTACTAGATTAACTGTGATCCCCATGTAAATA[C>T]TAATTACCTGAAAGAGGAGACATTCAGAATTTGTTAAATTCCTACTCACTTCAAGGCAAA-3'
Protein context (NP_055661.3, residues 281-301): DKYFPDNWVI[Ser291Asn]IYMGITVNLV